The following is an entry in ClinVar:

NM_002432.3(MNDA):c.165G>C (p.Lys55Asn)

Gene: MNDA (myeloid cell nuclear differentiation antigen; plus strand). Cytogenetic location: 1q23.1.
Variant type: single nucleotide variant.
Coding change: c.165G>C on transcript NM_002432.3 (MANE Select); coding-DNA position 165, G replaced by C.
Protein change: p.Lys55Asn; replaces lysine 55 with asparagine.
Molecular consequence: missense variant.
Genome position (GRCh38, 1-based): chr1:158,842,318, G>C. VCF-style: chr1-158842318-G-C. GRCh37 (hg19) VCF-style: chr1-158812108-G-C.
Other names: short protein forms K55N.
Identifiers: ClinVar variation 1777458 (VCV001777458.3), dbSNP rs1444498594, ClinGen allele CA343036946.

ClinVar aggregate classification (germline): Uncertain significance (1 of 4 stars; one submission).

Allele frequency attached by ClinVar (database versions not stated): TOPMed 0.00001.
gnomAD v4.1: 11 of 1,614,154 alleles (0.00068%); highest among the groups gnomAD compares: Non-Finnish European, 0.00093%; no homozygotes.

Submission:

Ambry Genetics
Classification: Uncertain significance. Last evaluated: 2023-09-07. Review status: criteria provided, single submitter. Criteria: Ambry Variant Classification Scheme 2023. Collection method: clinical testing. Allele origin: germline.
Comment: The p.K55N variant (also known as c.165G>C), located in coding exon 1 of the MNDA gene, results from a G to C substitution at nucleotide position 165. The lysine at codon 55 is replaced by asparagine, an amino acid with similar properties. This amino acid position is conserved. In addition, this alteration is predicted to be tolerated by in silico analysis. Since supporting evidence is limited at this time, the clinical significance of this alteration remains unclear.